The following is an entry in ClinVar:

NM_015272.5(RPGRIP1L):c.3776A>C (p.His1259Pro)

Gene: RPGRIP1L (RPGRIP1 like; minus strand). Cytogenetic location: 16q12.2.
Variant type: single nucleotide variant.
Coding change: c.3776A>C on transcript NM_015272.5 (MANE Select); coding-DNA position 3776, A replaced by C.
Protein change: p.His1259Pro; replaces histidine 1259 with proline.
Molecular consequence: missense variant.
Genome position (GRCh38, 1-based): chr16:53,605,540, T>G on the plus strand (A>C on the coding strand, the complement: RPGRIP1L is on the minus strand). VCF-style: chr16-53605540-T-G. GRCh37 (hg19) VCF-style: chr16-53639452-T-G.
Other names: c.3536A>C, p.His1179Pro (NM_001127897.4); c.3638A>C, p.His1213Pro (NM_001308334.3); c.3674A>C, p.His1225Pro (NM_001330538.2); short protein forms H1179P, H1213P, H1225P, H1259P.
Identifiers: ClinVar variation 3345093 (VCV003345093.1).

ClinVar aggregate classification (germline): Uncertain significance (0 of 4 stars; one submission).

Conditions:
RPGRIP1L-related disorder. Also called: RPGRIP1L-related condition; RPGRIP1L-related disorders. Identifiers: MedGen CN239416.

Submission:

PreventionGenetics, part of Exact Sciences
Classification: Uncertain significance for RPGRIP1L-related condition. Last evaluated: 2024-07-30. Review status: no assertion criteria provided. Collection method: clinical testing. Allele origin: germline.
Comment: The RPGRIP1L c.3776A>C variant is predicted to result in the amino acid substitution p.His1259Pro. To our knowledge, this variant has not been reported in the literature or in a large population database, indicating this variant is rare. At this time, the clinical significance of this variant is uncertain due to the absence of conclusive functional and genetic evidence.